The following is an entry in ClinVar:

ClinVar aggregate classification (germline): Likely benign. Review status: criteria provided, multiple submitters, no conflicts (2 of 4 stars). 3 submissions from 3 submitters: Likely benign (2). 1 of the submissions does not count toward it. Last evaluated 2025-10-26.

Conditions:
FERMT1-related disorder. Also called: FERMT1-related condition.

Allele frequency attached by ClinVar (database versions not stated): TOPMed 0.00013; gnomAD 0.00022; ESP Exome Variant Server 0.00023.
gnomAD v4.1: 227 of 1,589,246 alleles (0.014%); highest among the groups gnomAD compares: Non-Finnish European, 0.014%; no homozygotes.

Submissions (3):

Labcorp Genetics (formerly Invitae), Labcorp
Classification: Likely benign. Last evaluated: 2025-10-26. Review status: criteria provided, single submitter. Criteria: Invitae Variant Classification Sherloc (09022015). Collection method: clinical testing. Allele origin: germline.

Blueprint Genetics
Classification: Likely benign. Last evaluated: 2024-11-22. Review status: criteria provided, single submitter. Criteria: ACMG Guidelines, 2015. Collection method: clinical testing. Allele origin: germline.

PreventionGenetics, part of Exact Sciences
Classification: Likely benign for FERMT1-related condition. Last evaluated: 2019-10-30. Review status: no assertion criteria provided. Collection method: clinical testing. Allele origin: germline. Not counted in ClinVar's aggregate classification.
Comment: This variant is classified as likely benign based on ACMG/AMP sequence variant interpretation guidelines (Richards et al. 2015 PMID: 25741868, with internal and published modifications).

NM_017671.5(FERMT1):c.957+10C>A

Gene: FERMT1 (FERM domain containing kindlin 1; minus strand). Cytogenetic location: 20p12.3.
Variant type: single nucleotide variant.
Coding change: c.957+10C>A on transcript NM_017671.5 (MANE Select); 10 bases into the intron after coding-DNA position 957, C replaced by A.
Molecular consequence: intron variant.
Genome position (GRCh38, 1-based): chr20:6,097,514, G>T on the plus strand (C>A on the coding strand, the complement: FERMT1 is on the minus strand). VCF-style: chr20-6097514-G-T. GRCh37 (hg19) VCF-style: chr20-6078161-G-T.
Identifiers: ClinVar variation 755333 (VCV000755333.13), dbSNP rs368444538, ClinGen allele CA9758299.